The following is an entry in ClinVar:

ClinVar aggregate classification (germline): Uncertain significance. Review status: criteria provided, multiple submitters, no conflicts (2 of 4 stars). 2 submissions from 2 submitters: Uncertain significance (2). Last evaluated 2023-10-03.

Allele frequency attached by ClinVar (database versions not stated): gnomAD exomes 0.00002 and 0.00011; gnomAD 0.00003 and 0.00014; ExAC 0.00004; TOPMed 0.00018.
gnomAD v4.1: 173 of 1,513,822 alleles (0.011%); highest among the groups gnomAD compares: Non-Finnish European, 0.013%; no homozygotes.

Submissions (2):

Labcorp Genetics (formerly Invitae), Labcorp
Classification: Uncertain significance. Last evaluated: 2023-10-03. Review status: criteria provided, single submitter. Criteria: Invitae Variant Classification Sherloc (09022015). Collection method: clinical testing. Allele origin: germline.
Comment: This sequence change replaces threonine, which is neutral and polar, with methionine, which is neutral and non-polar, at codon 830 of the TUBGCP6 protein (p.Thr830Met). This variant is present in population databases (rs758201280, gnomAD 0.01%). This variant has not been reported in the literature in individuals affected with TUBGCP6-related conditions. ClinVar contains an entry for this variant (Variation ID: 437155). An algorithm developed to predict the effect of missense changes on protein structure and function (PolyPhen-2) suggests that this variant¬†is likely to be tolerated. In summary, the available evidence is currently insufficient to determine the role of this variant in disease. Therefore, it has been classified as a Variant of Uncertain Significance.

Genetic Services Laboratory, University of Chicago
Classification: Uncertain significance. Last evaluated: 2016-09-21. Review status: criteria provided, single submitter. Criteria: ACMG Guidelines, 2015. Collection method: clinical testing. Allele origin: germline. Affected: no.

NM_020461.4(TUBGCP6):c.2489C>T (p.Thr830Met)

Gene: TUBGCP6 (tubulin gamma complex component 6; minus strand). Cytogenetic location: 22q13.33.
Variant type: single nucleotide variant.
Coding change: c.2489C>T on transcript NM_020461.4 (MANE Select); coding-DNA position 2489, C replaced by T.
Protein change: p.Thr830Met; replaces threonine 830 with methionine.
Molecular consequence: missense variant.
Genome position (GRCh38, 1-based): chr22:50,221,870, G>A on the plus strand (C>T on the coding strand, the complement: TUBGCP6 is on the minus strand). VCF-style: chr22-50221870-G-A. GRCh37 (hg19) VCF-style: chr22-50660299-G-A.
Other names: short protein forms T830M.
Identifiers: ClinVar variation 437155 (VCV000437155.9), dbSNP rs758201280, ClinGen allele CA10308181.